The following is an entry in ClinVar:

NM_000540.3(RYR1):c.3853A>G (p.Met1285Val)

Gene: RYR1 (ryanodine receptor 1; plus strand). Cytogenetic location: 19q13.2.
Variant type: single nucleotide variant.
Coding change: c.3853A>G on transcript NM_000540.3 (MANE Select); coding-DNA position 3853, A replaced by G.
Protein change: p.Met1285Val; replaces methionine 1285 with valine.
Molecular consequence: missense variant.
Genome position (GRCh38, 1-based): chr19:38,473,464, A>G. VCF-style: chr19-38473464-A-G. GRCh37 (hg19) VCF-style: chr19-38964104-A-G.
Other names: c.3853A>G (NM_000540.2); c.3853A>G, p.Met1285Val (NM_001042723.2); short protein forms M1285V.
Identifiers: ClinVar variation 1060273 (VCV001060273.12), dbSNP rs752075589, ClinGen allele CA065259.
Genomic context (GRCh38, chr19:38,473,464, plus strand): 5'-ACGCCCCCCTGCCTGCGCCTGACCCACCGCACCTGGGGCTCCCAGAACAGCCTGGTGGAG[A>G]TGCTTTTCCTGCGGCTGAGCCTCCCAGTCCAGTTCCACCAGCACTTCCGCTGCACTGCAG-3'
Protein context (NP_000531.2, residues 1275-1295): TWGSQNSLVE[Met1285Val]LFLRLSLPVQ

ClinVar aggregate classification (germline): Uncertain significance. Review status: criteria provided, multiple submitters, no conflicts (2 of 4 stars). 6 submissions from 6 submitters: Uncertain significance (6). Last evaluated 2025-08-26.

Conditions:
RYR1-related disorder. Also called: RYR1-related disorders; RYR1-related condition. Identifiers: MedGen CN239331.
Malignant hyperthermia, susceptibility to, 1 (MHS1). Also called: RYR1-Related Malignant Hyperthermia Susceptibility; Anesthesia related hyperthermia; Malignant hyperpyrexia; Fulminating hyperpyrexia; Pharmacogenic myopathy; Malignant hyperthermia suceptibility 1. Identifiers: Orphanet 423, MedGen C2930980, MONDO:0007783, OMIM 145600.
Congenital myopathy with fiber type disproportion. Also called: Congenital fiber-type disproportion myopathy; Congenital fiber-type disproportion. Identifiers: Orphanet 2020, MedGen C0546264, MONDO:0009711. Inheritance: all.
Central core myopathy (CMYO1A). Also called: CONGENITAL MYOPATHY 1A, AUTOSOMAL DOMINANT, WITH SUSCEPTIBILITY TO MALIGNANT HYPERTHERMIA; Central core disease; Myopathy, central fibrillar. Identifiers: Orphanet 597, MedGen C5830701, MONDO:0007294, OMIM 117000.
Congenital multicore myopathy with external ophthalmoplegia (CMYO1B). Also called: Minicore myopathy with external ophthalmoplegia; MULTIMINICORE DISEASE WITH EXTERNAL OPHTHALMOPLEGIA; MULTICORE MYOPATHY; Congenital myopathy 1B, autosomal recessive; Minicore myopathy. Identifiers: Orphanet 598, Orphanet 98905, MedGen C1850674, MONDO:0009712, OMIM 255320, HP:0003789.
King Denborough syndrome (KDS). Identifiers: MedGen C1840365, MONDO:0020485, OMIM 619542.
Inborn genetic diseases. Identifiers: MedGen C0950123, MeSH D030342.

Allele frequency attached by ClinVar (database versions not stated): gnomAD 0.00003 and 0.00004; gnomAD exomes 0.00004 and 0.00005; TOPMed 0.00004; ExAC 0.00005.

Submissions (6):

Labcorp Genetics (formerly Invitae), Labcorp
Classification: Uncertain significance for RYR1-related disorder. Last evaluated: 2025-08-26. Review status: criteria provided, single submitter. Criteria: Invitae Variant Classification Sherloc (09022015). Collection method: clinical testing. Allele origin: germline.
Comment: This sequence change replaces methionine, which is neutral and non-polar, with valine, which is neutral and non-polar, at codon 1285 of the RYR1 protein (p.Met1285Val). This variant is present in population databases (rs752075589, gnomAD 0.01%). This variant has not been reported in the literature in individuals affected with RYR1-related conditions. ClinVar contains an entry for this variant (Variation ID: 1060273). Invitae Evidence Modeling of protein sequence and biophysical properties (such as structural, functional, and spatial information, amino acid conservation, physicochemical variation, residue mobility, and thermodynamic stability) indicates that this missense variant is not expected to disrupt RYR1 protein function with a negative predictive value of 80%. In summary, the available evidence is currently insufficient to determine the role of this variant in disease. Therefore, it has been classified as a Variant of Uncertain Significance.

Color Diagnostics, LLC DBA Color Health
Classification: Uncertain significance for Malignant hyperthermia, susceptibility to, 1. Last evaluated: 2025-06-18. Review status: criteria provided, single submitter. Criteria: ACMG Guidelines, 2015. Collection method: clinical testing. Allele origin: germline.
Comment: This missense variant replaces methionine with valine at codon 1285 of the RYR1 protein. Computational prediction suggests that this variant may not impact protein structure and function. To our knowledge, functional studies have not been reported for this variant. This variant has not been reported in individuals affected with RYR1-related disorders in the literature. This variant has been identified in 15/281144 chromosomes in the general population by the Genome Aggregation Database (gnomAD). The available evidence is insufficient to determine the role of this variant in disease conclusively. Therefore, this variant is classified as a Variant of Uncertain Significance.

Ambry Genetics
Classification: Uncertain significance for Inborn genetic diseases. Last evaluated: 2025-02-04. Review status: criteria provided, single submitter. Criteria: Ambry Variant Classification Scheme 2023. Collection method: clinical testing. Allele origin: germline.

All of Us Research Program, National Institutes of Health
Classification: Uncertain significance for Malignant hyperthermia, susceptibility to, 1. Last evaluated: 2023-12-01. Review status: criteria provided, single submitter. Criteria: ACMG Guidelines, 2015. Collection method: clinical testing. Allele origin: germline. Inheritance: Autosomal dominant inheritance. Observed: 5 variant alleles, 5 heterozygotes.
Comment: This missense variant replaces methionine with valine at codon 1285 of the RYR1 protein. Computational prediction suggests that this variant may not impact protein structure and function (internally defined REVEL score threshold <= 0.5, PMID: 27666373). To our knowledge, functional studies have not been reported for this variant. This variant has not been reported in individuals affected with RYR1-related disorders in the literature. This variant has been identified in 15/281144 chromosomes in the general population by the Genome Aggregation Database (gnomAD). The available evidence is insufficient to determine the role of this variant in disease conclusively. Therefore, this variant is classified as a Variant of Uncertain Significance.

This study involves interpretation of variants in research participants for the purpose of population health screening. Participant phenotype was not available at the time of variant classification. Additional details can be found in publication PMID: 35346344, PMCID: PMC8962531

GeneDx
Classification: Uncertain significance. Last evaluated: 2023-08-18. Review status: criteria provided, single submitter. Criteria: GeneDx Variant Classification Process June 2021. Collection method: clinical testing. Allele origin: germline. Affected: yes.
Comment: Not observed at significant frequency in large population cohorts (gnomAD); In silico analysis supports that this missense variant does not alter protein structure/function; Has not been previously published as pathogenic or benign to our knowledge

Fulgent Genetics
Classification: Uncertain significance for Central core myopathy; Malignant hyperthermia, susceptibility to, 1; Congenital myopathy 4A, autosomal dominant; Congenital multicore myopathy with external ophthalmoplegia; King Denborough syndrome. Last evaluated: 2021-10-12. Review status: criteria provided, single submitter. Criteria: ACMG Guidelines, 2015. Collection method: clinical testing. Allele origin: unknown.